The following is an entry in ClinVar:

NM_004385.5(VCAN):c.8634A>G (p.Pro2878=)

Genes: VCAN (versican; plus strand), VCAN-AS1 (VCAN antisense RNA 1; minus strand). Cytogenetic location: 5q14.3.
Variant type: single nucleotide variant.
Coding change: c.8634A>G on transcript NM_004385.5 (MANE Select); coding-DNA position 8634, A replaced by G.
Protein change: p.Pro2878=; no amino-acid change (proline 2878 retained).
Molecular consequence: synonymous variant. On other transcripts: intron variant (2).
Genome position (GRCh38, 1-based): chr5:83,541,637, A>G. VCF-style: chr5-83541637-A-G. GRCh37 (hg19) VCF-style: chr5-82837456-A-G.
Other names: c.5673A>G, p.Pro1891= (NM_001164097.2); c.4004-3900A>G (NM_001164098.2); c.1043-3900A>G (NM_001126336.3).
Identifiers: ClinVar variation 906620 (VCV000906620.13), dbSNP rs200031614, ClinGen allele CA3333842.
Genomic context (GRCh38, chr5:83,541,637, plus strand): 5'-AATGTCCCCACAGGATTCTTTTAAGGAAATTCATGTAAATATTGAAGCGACTTTCAAACC[A>G]TCAAGTGAGGAATACCTTCACATAACTGAGCCTCCCTCTTTATCTCCTGACACAAAATTA-3'
Protein context (NP_004376.2, residues 2868-2888): IHVNIEATFK[Pro2878=]SSEEYLHITE

ClinVar aggregate classification (germline): Likely benign. Review status: criteria provided, multiple submitters, no conflicts (2 of 4 stars). 4 submissions from 3 submitters: Likely benign (4). Last evaluated 2025-09-13.

Conditions:
Vitreoretinopathy. Also called: Vitreoretinal degeneration. Identifiers: MedGen C0344290, MONDO:0020248, HP:0007773.
Wagner disease. Also called: WAGNER VITREORETINAL DEGENERATION; Wagner Vitreoretinal Degeneration (Wagner Synrdome); Wagner syndrome; HYALOIDEORETINAL DEGENERATION OF WAGNER; WAGNER VITREORETINOPATHY; WAGNER SYNDROME 1. Identifiers: Orphanet 898, MedGen C1840452, MONDO:0007740, OMIM 143200.

Allele frequency attached by ClinVar (database versions not stated): ESP Exome Variant Server 0.00008; ExAC 0.00010; gnomAD 0.00011 and 0.00012; gnomAD exomes 0.00011 and 0.00012; TOPMed 0.00018; 1000 Genomes Project 0.00060; 1000 Genomes Project 30x 0.00062.
gnomAD v4.1: 174 of 1,613,872 alleles (0.011%); highest among the groups gnomAD compares: Admixed American, 0.058%; no homozygotes.

Submissions (4):

Labcorp Genetics (formerly Invitae), Labcorp
Classification: Likely benign. Last evaluated: 2025-09-13. Review status: criteria provided, single submitter. Criteria: Invitae Variant Classification Sherloc (09022015). Collection method: clinical testing. Allele origin: germline.

Blueprint Genetics
Classification: Likely benign. Last evaluated: 2024-10-14. Review status: criteria provided, single submitter. Criteria: ACMG Guidelines, 2015. Collection method: clinical testing. Allele origin: germline.

Illumina Laboratory Services, Illumina
Classification: Likely benign for Wagner disease. Last evaluated: 2018-01-13. Review status: criteria provided, single submitter. Criteria: ICSL Variant Classification Criteria 13 December 2019. Collection method: clinical testing. Allele origin: germline.
Comment: This variant was observed in the ICSL laboratory as part of a predisposition screen in an ostensibly healthy population. It had not been previously curated by ICSL or reported in the Human Gene Mutation Database (HGMD: prior to June 1st, 2018), and was therefore a candidate for classification through an automated scoring system. Utilizing variant allele frequency, disease prevalence and penetrance estimates, and inheritance mode, an automated score was calculated to assess if this variant is too frequent to cause the disease. Based on the score and internal cut-off values, a variant classified as likely benign is not then subjected to further curation. The score for this variant resulted in a classification of likely benign for this disease.

Illumina Laboratory Services, Illumina
Classification: Likely benign for Vitreoretinopathy. Last evaluated: 2018-01-13. Review status: criteria provided, single submitter. Criteria: ICSL Variant Classification Criteria 13 December 2019. Collection method: clinical testing. Allele origin: germline.
Comment: the same text as in the submission from Illumina Laboratory Services, Illumina above.